The following is an entry in ClinVar:

ClinVar aggregate classification (germline): Benign/Likely benign. Review status: criteria provided, multiple submitters, no conflicts (2 of 4 stars). 12 submissions from 11 submitters: Benign (9); Likely benign (3). Last evaluated 2026-02-02.

Conditions:
Cardiovascular phenotype. Identifiers: MedGen CN230736.
Cardiomyopathy (CMYO). Also called: Cardiomyopathies. Identifiers: Orphanet 167848, MedGen C0878544, MONDO:0004994, HP:0001638. Inheritance: Various modes of inheritance.
Catecholaminergic polymorphic ventricular tachycardia 1. Also called: VENTRICULAR TACHYCARDIA, CATECHOLAMINERGIC POLYMORPHIC, 1, WITH OR WITHOUT ATRIAL DYSFUNCTION AND/OR DILATED CARDIOMYOPATHY; VENTRICULAR TACHYCARDIA, STRESS-INDUCED POLYMORPHIC 1; RYR2-Related Catecholaminergic Polymorphic Ventricular Tachycardia. Identifiers: Orphanet 3286, MedGen C1631597, MONDO:0011484, OMIM 604772.
Arrhythmogenic right ventricular dysplasia 2. Identifiers: MedGen C1832931.
Catecholaminergic polymorphic ventricular tachycardia (CVPT). Also called: Catecholamine-induced polymorphic ventricular tachycardia. Identifiers: Orphanet 3286, MedGen C5574922, MONDO:0017990.

Allele frequency attached by ClinVar (database versions not stated): gnomAD 0.00001 and 0.00015; TOPMed 0.00003; gnomAD exomes 0.00040 and 0.00086; ExAC 0.00107; 1000 Genomes Project 30x 0.00172; 1000 Genomes Project 0.00200.
gnomAD v4.1: 607 of 1,613,952 alleles (0.038%); highest among the groups gnomAD compares: South Asian, 0.63%; 6 homozygotes.

Submissions (12):

Labcorp Genetics (formerly Invitae), Labcorp
Classification: Benign for Catecholaminergic polymorphic ventricular tachycardia 1. Last evaluated: 2026-02-02. Review status: criteria provided, single submitter. Criteria: Invitae Variant Classification Sherloc (09022015). Collection method: clinical testing. Allele origin: germline.

Blueprint Genetics
Classification: Likely benign. Last evaluated: 2024-11-26. Review status: criteria provided, single submitter. Criteria: ACMG Guidelines, 2015. Collection method: clinical testing. Allele origin: germline.

All of Us Research Program, National Institutes of Health
Classification: Benign for Catecholaminergic polymorphic ventricular tachycardia. Last evaluated: 2024-01-09. Review status: criteria provided, single submitter. Criteria: ACMG Guidelines, 2015. Collection method: clinical testing. Allele origin: germline. Inheritance: Autosomal dominant inheritance. Observed: 23 variant alleles, 23 heterozygotes.
Comment: This study involves interpretation of variants in research participants for the purpose of population health screening. Participant phenotype was not available at the time of variant classification. Additional details can be found in publication PMID: 35346344, PMCID: PMC8962531

Ambry Genetics
Classification: Benign for Cardiovascular phenotype. Last evaluated: 2020-01-07. Review status: criteria provided, single submitter. Criteria: Ambry Variant Classification Scheme 2023. Collection method: clinical testing. Allele origin: germline.

Women's Health and Genetics/Laboratory Corporation of America, LabCorp
Classification: Benign. Last evaluated: 2019-04-16. Review status: criteria provided, single submitter. Criteria: LabCorp Variant Classification Summary - May 2015. Collection method: clinical testing. Allele origin: germline.
Comment: Variant summary: RYR2 c.3537T>C alters a non-conserved nucleotide resulting in a synonymous change. 5/5 computational tools predict no significant impact on normal splicing. However, these predictions have yet to be confirmed by functional studies. The variant allele was found at a frequency of 0.00086 in 249076 control chromosomes, predominantly at a frequency of 0.0069 within the South Asian subpopulation in the gnomAD database, including 1 homozygotes. The observed variant frequency within South Asian control individuals in the gnomAD database is approximately 115 fold of the estimated maximal expected allele frequency for a pathogenic variant in RYR2 causing Arrhythmia phenotype (6e-05), strongly suggesting that the variant is a benign polymorphism found primarily in populations of South Asian origin. To our knowledge, no occurrence of c.3537T>C in individuals affected with Arrhythmia and no experimental evidence demonstrating its impact on protein function have been reported. Four ClinVar submissions from clinical diagnostic laboratories (evaluation after 2014) cite the variant once as uncertain significance and three times as benign. Based on the evidence outlined above, the variant was classified as benign.

Color Diagnostics, LLC DBA Color Health
Classification: Benign for Cardiomyopathy. Last evaluated: 2018-10-16. Review status: criteria provided, single submitter. Criteria: ACMG Guidelines, 2015. Collection method: clinical testing. Allele origin: germline.

CHEO Genetics Diagnostic Laboratory, Children's Hospital of Eastern Ontario
Classification: Benign for Cardiomyopathy. Last evaluated: 2018-03-20. Review status: criteria provided, single submitter. Criteria: ACMG Guidelines, 2015. Collection method: clinical testing. Allele origin: germline.

Illumina Laboratory Services, Illumina
Classification: Likely benign for Catecholaminergic polymorphic ventricular tachycardia 1. Last evaluated: 2018-01-12. Review status: criteria provided, single submitter. Criteria: ICSL Variant Classification Criteria 13 December 2019. Collection method: clinical testing. Allele origin: germline.
Comment: This variant was observed in the ICSL laboratory as part of a predisposition screen in an ostensibly healthy population. It had not been previously curated by ICSL or reported in the Human Gene Mutation Database (HGMD: prior to June 1st, 2018), and was therefore a candidate for classification through an automated scoring system. Utilizing variant allele frequency, disease prevalence and penetrance estimates, and inheritance mode, an automated score was calculated to assess if this variant is too frequent to cause the disease. Based on the score and internal cut-off values, a variant classified as likely benign is not then subjected to further curation. The score for this variant resulted in a classification of likely benign for this disease.

Illumina Laboratory Services, Illumina
Classification: Benign for Catecholaminergic polymorphic ventricular tachycardia 1. Last evaluated: 2018-01-12. Review status: criteria provided, single submitter. Criteria: ICSL Variant Classification Criteria 13 December 2019. Collection method: clinical testing. Allele origin: germline.
Comment: This variant was observed in the ICSL laboratory as part of a predisposition screen in an ostensibly healthy population. It had not been previously curated by ICSL or reported in the Human Gene Mutation Database (HGMD: prior to June 1st, 2018), and was therefore a candidate for classification through an automated scoring system. Utilizing variant allele frequency, disease prevalence and penetrance estimates, and inheritance mode, an automated score was calculated to assess if this variant is too frequent to cause the disease. Based on the score and internal cut-off values, a variant classified as benign is not then subjected to further curation. The score for this variant resulted in a classification of benign for this disease.

Eurofins Ntd Llc (ga)
Classification: Benign. Last evaluated: 2016-09-19. Review status: criteria provided, single submitter. Criteria: EGL Classification Definitions 2015. Collection method: clinical testing. Allele origin: germline. Observed: 1 variant allele, 1 heterozygote.

GeneDx
Classification: Benign. Last evaluated: 2015-05-08. Review status: criteria provided, single submitter. Criteria: GeneDx Variant Classification (06012015). Collection method: clinical testing. Allele origin: germline. Affected: yes.
Comment: This variant is considered likely benign or benign based on one or more of the following criteria: it is a conservative change, it occurs at a poorly conserved position in the protein, it is predicted to be benign by multiple in silico algorithms, and/or has population frequency not consistent with disease.

Laboratory for Molecular Medicine, Mass General Brigham Personalized Medicine
Classification: Likely benign. Last evaluated: 2012-05-17. Review status: criteria provided, single submitter. Criteria: LMM Criteria. Collection method: clinical testing. Allele origin: germline. Observed: 2 variant alleles.
Comment: Gly1179Gly in exon 29 of RYR2: This variant is not expected to have clinical sig nificance because it does not alter an amino acid residue and it is not located within the splice consensus sequence. Gly1179Gly in exon 29 of RYR2 (allele fre quency = n/a)

NM_001035.3(RYR2):c.3537T>C (p.Gly1179=)

Gene: RYR2 (ryanodine receptor 2; plus strand). Cytogenetic location: 1q43.
Variant type: single nucleotide variant.
Coding change: c.3537T>C on transcript NM_001035.3 (MANE Select); coding-DNA position 3537, T replaced by C.
Protein change: p.Gly1179=; no amino-acid change (glycine 1179 retained).
Molecular consequence: synonymous variant.
Genome position (GRCh38, 1-based): chr1:237,569,258, T>C. VCF-style: chr1-237569258-T-C. GRCh37 (hg19) VCF-style: chr1-237732558-T-C.
Identifiers: ClinVar variation 43772 (VCV000043772.30), dbSNP rs397516526, ClinGen allele CA009253.